The following is an entry in ClinVar:

NM_001164508.2(NEB):c.21529T>C (p.Tyr7177His)

Genes: NEB (nebulin; minus strand), RIF1 (replication timing regulatory factor 1; plus strand). Cytogenetic location: 2q23.3.
Variant type: single nucleotide variant.
Coding change: c.21529T>C on transcript NM_001164508.2 (MANE Select); coding-DNA position 21529, T replaced by C.
Protein change: p.Tyr7177His; replaces tyrosine 7177 with histidine.
Molecular consequence: missense variant.
Genome position (GRCh38, 1-based): chr2:151,531,095, A>G on the plus strand (T>C on the coding strand, the complement: NEB is on the minus strand). VCF-style: chr2-151531095-A-G. GRCh37 (hg19) VCF-style: chr2-152387609-A-G.
Other names: c.21529T>C, p.Tyr7177His (NM_001164507.2); c.21634T>C, p.Tyr7212His (NM_001271208.2); c.16426T>C, p.Tyr5476His (NM_004543.5); short protein forms Y5476H, Y7212H, Y7177H.
Identifiers: ClinVar variation 2790780 (VCV002790780.3), dbSNP rs2552139161, ClinGen allele CA348770392.
Genomic context (GRCh38, chr2:151,531,095, plus strand): 5'-TGGGTGTGTCGTGGATTGTGGTGTAGCCTCTGGGTTTGGCCTTGTTGTATTCCAATTTAT[A>G]AAGGATCTGAAAGATCAAAAAGCAGAAAGACATCATGTCATGCTTCTCAATGTATAATAT-3'
Protein context (NP_001157980.2, residues 7167-7187): KVNKQISDIL[Tyr7177His]KLEYNKAKPR

ClinVar aggregate classification (germline): Uncertain significance (1 of 4 stars; one submission).

Conditions:
Nemaline myopathy 2 (NEM2). Also called: Nemaline myopathy 2, autosomal recessive. Identifiers: MedGen C1850569, MONDO:0009725, OMIM 256030.

Submission:

Labcorp Genetics (formerly Invitae), Labcorp
Classification: Uncertain significance for Nemaline myopathy 2. Last evaluated: 2024-10-25. Review status: criteria provided, single submitter. Criteria: Invitae Variant Classification Sherloc (09022015). Collection method: clinical testing. Allele origin: germline.
Comment: This sequence change replaces tyrosine, which is neutral and polar, with histidine, which is basic and polar, at codon 7212 of the NEB protein (p.Tyr7212His). This variant is not present in population databases (gnomAD no frequency). This variant has not been reported in the literature in individuals affected with NEB-related conditions. Experimental studies and prediction algorithms are not available or were not evaluated, and the functional significance of this variant is currently unknown. In summary, the available evidence is currently insufficient to determine the role of this variant in disease. Therefore, it has been classified as a Variant of Uncertain Significance.